The following is an entry in ClinVar:

NM_015474.4(SAMHD1):c.1797C>T (p.Asn599=)

Genes: SAMHD1 (SAM and HD domain containing deoxynucleoside triphosphate triphosphohydrolase 1; minus strand), TLDC2 (TBC/LysM-associated domain containing 2; plus strand). Cytogenetic location: 20q11.23.
Variant type: single nucleotide variant.
Coding change: c.1797C>T on transcript NM_015474.4 (MANE Select); coding-DNA position 1797, C replaced by T.
Protein change: p.Asn599=; no amino-acid change (asparagine 599 retained).
Molecular consequence: synonymous variant. On other transcripts: 3 prime UTR variant (3).
Genome position (GRCh38, 1-based): chr20:36,893,016, G>A on the plus strand (C>T on the coding strand, the complement: SAMHD1 is on the minus strand). VCF-style: chr20-36893016-G-A. GRCh37 (hg19) VCF-style: chr20-35521419-G-A.
Other names: c.*172G>A (NM_001304783.1, NM_080628.3); c.1692C>T, p.Asn564= (NM_001363729.2); c.*890C>T (NM_001363733.2).
Identifiers: ClinVar variation 537757 (VCV000537757.14), dbSNP rs35102927, ClinGen allele CA9844408.
Genomic context (GRCh38, chr20:36,893,016, plus strand): 5'-CTGGACTCTGCTTTTGGATGCTTCTCGGAGGCGAGTTGGATTTTGGACTGAAGTACTGTC[G>A]TTCCATTCCTTTTTTTGAGGTGTTATGAGTGGGGCTATAACATCGCCATCCTATTAGGAA-3'
Protein context (NP_056289.2, residues 589-609): PLITPQKKEW[Asn599=]DSTSVQNPTR

ClinVar aggregate classification (germline): Benign/Likely benign. Review status: criteria provided, multiple submitters, no conflicts (2 of 4 stars). 3 submissions from 3 submitters: Benign (1); Likely benign (1). 1 of the submissions does not count toward it. Last evaluated 2026-01-19.

Conditions:
Aicardi-Goutieres syndrome 5. Identifiers: Orphanet 51, MedGen C2749659, MONDO:0013059, OMIM 612952.
SAMHD1-related disorder. Also called: SAMHD1-related condition.

Allele frequency attached by ClinVar (database versions not stated): gnomAD exomes 0.00014 and 0.00022; ExAC 0.00029; 1000 Genomes Project 30x 0.00047; 1000 Genomes Project 0.00060; gnomAD 0.00096 and 0.00102; TOPMed 0.00100; ESP Exome Variant Server 0.00115.
gnomAD v4.1: 353 of 1,613,894 alleles (0.022%); highest among the groups gnomAD compares: African/African-American, 0.34%; no homozygotes.

Submissions (3):

Labcorp Genetics (formerly Invitae), Labcorp
Classification: Benign for Aicardi-Goutieres syndrome 5. Last evaluated: 2026-01-19. Review status: criteria provided, single submitter. Criteria: Invitae Variant Classification Sherloc (09022015). Collection method: clinical testing. Allele origin: germline.

Blueprint Genetics
Classification: Likely benign. Last evaluated: 2024-11-06. Review status: criteria provided, single submitter. Criteria: ACMG Guidelines, 2015. Collection method: clinical testing. Allele origin: germline.

PreventionGenetics, part of Exact Sciences
Classification: Likely benign for SAMHD1-related condition. Last evaluated: 2019-04-11. Review status: no assertion criteria provided. Collection method: clinical testing. Allele origin: germline. Not counted in ClinVar's aggregate classification.
Comment: This variant is classified as likely benign based on ACMG/AMP sequence variant interpretation guidelines (Richards et al. 2015 PMID: 25741868, with internal and published modifications).